The following is an entry in ClinVar:

NM_144670.6(A2ML1):c.1019G>T (p.Gly340Val)

Gene: A2ML1 (alpha-2-macroglobulin like 1; plus strand). Cytogenetic location: 12p13.31.
Variant type: single nucleotide variant.
Coding change: c.1019G>T on transcript NM_144670.6 (MANE Select); coding-DNA position 1019, G replaced by T.
Protein change: p.Gly340Val; replaces glycine 340 with valine.
Molecular consequence: missense variant.
Genome position (GRCh38, 1-based): chr12:8,839,161, G>T. VCF-style: chr12-8839161-G-T. GRCh37 (hg19) VCF-style: chr12-8991757-G-T.
Other names: short protein forms G340V.
Identifiers: ClinVar variation 2062066 (VCV002062066.4), dbSNP rs1209728269, ClinGen allele CA383823635.

ClinVar aggregate classification (germline): Uncertain significance (1 of 4 stars; one submission).

gnomAD v4.1: 1 of 1,613,634 alleles (0.000062%); highest among the groups gnomAD compares: Non-Finnish European, 0.000085%; no homozygotes.

Submission:

Labcorp Genetics (formerly Invitae), Labcorp
Classification: Uncertain significance. Last evaluated: 2022-08-23. Review status: criteria provided, single submitter. Criteria: Invitae Variant Classification Sherloc (09022015). Collection method: clinical testing. Allele origin: germline.
Comment: In summary, the available evidence is currently insufficient to determine the role of this variant in disease. Therefore, it has been classified as a Variant of Uncertain Significance. Algorithms developed to predict the effect of sequence changes on RNA splicing suggest that this variant may create or strengthen a splice site. Algorithms developed to predict the effect of missense changes on protein structure and function (SIFT, PolyPhen-2, Align-GVGD) all suggest that this variant is likely to be tolerated. This variant has not been reported in the literature in individuals affected with A2ML1-related conditions. This variant is present in population databases (no rsID available, gnomAD 0.0009%). This sequence change replaces glycine, which is neutral and non-polar, with valine, which is neutral and non-polar, at codon 340 of the A2ML1 protein (p.Gly340Val).